The following is an entry in ClinVar:

ClinVar aggregate classification (germline): Conflicting classifications of pathogenicity. Review status: criteria provided, conflicting classifications (1 of 4 stars). 11 submissions from 11 submitters: Uncertain significance (5); Likely benign (5). 1 of the submissions does not count toward it. Last evaluated 2026-09-01.

Conditions:
Leukoencephalopathy-thalamus and brainstem anomalies-high lactate syndrome. Also called: LEUKOENCEPHALOPATHY WITH THALAMUS AND BRAINSTEM INVOLVEMENT AND HIGH LACTATE; Combined oxidative phosphorylation deficiency 12. Identifiers: Orphanet 314051, MedGen C4706421, MONDO:0013971, OMIM 614924.
Mitochondrial disease. Also called: Mitochondrial disorders; Mitochondrial disorder. Identifiers: Orphanet 68380, MedGen C0751651, MeSH D028361, MONDO:0044970.
Inborn genetic diseases. Identifiers: MedGen C0950123, MeSH D030342.
EARS2-related disorder. Also called: EARS2-related disorders; EARS2-related condition.

Allele frequency attached by ClinVar (database versions not stated): 1000 Genomes Project 0.00100; 1000 Genomes Project 30x 0.00109; ExAC 0.00132; gnomAD exomes 0.00138 and 0.00150; gnomAD 0.00141 and 0.00146; TOPMed 0.00151; ESP Exome Variant Server 0.00181.
gnomAD v4.1: 2,416 of 1,613,952 alleles (0.15%); highest among the groups gnomAD compares: Middle Eastern, 0.18%; 4 homozygotes.

Submissions (11):

CeGaT Center for Human Genetics Tuebingen
Classification: Likely benign. Last evaluated: 2026-09-01. Review status: criteria provided, single submitter. Criteria: CeGaT Center For Human Genetics Tuebingen Variant Classification Criteria Version 2. Collection method: clinical testing. Allele origin: germline. Affected: yes. Observed: 12 variant alleles.
Comment: EARS2: BS2

Labcorp Genetics (formerly Invitae), Labcorp
Classification: Likely benign. Last evaluated: 2026-01-05. Review status: criteria provided, single submitter. Criteria: Invitae Variant Classification Sherloc (09022015). Collection method: clinical testing. Allele origin: germline.

PreventionGenetics, part of Exact Sciences
Classification: Likely benign for EARS2-related condition. Last evaluated: 2025-07-31. Review status: criteria provided, single submitter. Criteria: ACMG Guidelines, 2015. Collection method: clinical testing. Allele origin: germline.
Comment: This variant is classified as likely benign based on ACMG/AMP sequence variant interpretation guidelines (Richards et al. 2015 PMID: 25741868, with internal and published modifications).

GeneDx
Classification: Uncertain significance. Last evaluated: 2024-12-12. Review status: criteria provided, single submitter. Criteria: GeneDx Variant Classification Process June 2021. Collection method: clinical testing. Allele origin: germline. Affected: yes.
Comment: In silico analysis supports that this missense variant has a deleterious effect on protein structure/function; This variant is associated with the following publications: (PMID: 28748215, 28748214)

Blueprint Genetics
Classification: Uncertain significance. Last evaluated: 2024-11-21. Review status: criteria provided, single submitter. Criteria: ACMG Guidelines, 2015. Collection method: clinical testing. Allele origin: germline.

Department of Pathology and Laboratory Medicine, Sinai Health System
Classification: Likely benign for mitochondrial disease. Last evaluated: 2023-04-17. Review status: criteria provided, single submitter. Criteria: ACMG Guidelines, 2015. Collection method: research. Allele origin: germline.

Ambry Genetics
Classification: Likely benign for Inborn genetic diseases. Last evaluated: 2022-05-13. Review status: criteria provided, single submitter. Criteria: Ambry Variant Classification Scheme 2023. Collection method: clinical testing. Allele origin: germline.

Baylor Genetics
Classification: Uncertain significance for Leukoencephalopathy-thalamus and brainstem anomalies-high lactate syndrome. Last evaluated: 2019-02-22. Review status: criteria provided, single submitter. Criteria: ACMG Guidelines, 2015. Collection method: clinical testing. Allele origin: unknown. Affected: yes.
Comment: This variant was determined to be of uncertain significance according to ACMG Guidelines, 2015 [PMID:25741868].

Illumina Laboratory Services, Illumina
Classification: Uncertain significance for Leukoencephalopathy-thalamus and brainstem anomalies-high lactate syndrome. Last evaluated: 2018-01-12. Review status: criteria provided, single submitter. Criteria: ICSL Variant Classification Criteria 13 December 2019. Collection method: clinical testing. Allele origin: germline.

Eurofins Ntd Llc (ga)
Classification: Uncertain significance. Last evaluated: 2017-08-01. Review status: criteria provided, single submitter. Criteria: EGL Classification Definitions 2015. Collection method: clinical testing. Allele origin: germline. Observed: 1 variant allele, 1 heterozygote.

Mayo Clinic Laboratories, Mayo Clinic
Classification: Uncertain significance. Last evaluated: 2016-03-09. Review status: no assertion criteria provided. Collection method: clinical testing. Allele origin: unknown. Not counted in ClinVar's aggregate classification.

Literature cited by the submitters: PubMed 28748214 (cited by Eurofins Ntd Llc (ga)); PubMed 28748215 (cited by Eurofins Ntd Llc (ga)).

NM_001083614.2(EARS2):c.1045G>A (p.Glu349Lys)

Gene: EARS2 (glutamyl-tRNA synthetase 2, mitochondrial; minus strand). Cytogenetic location: 16p12.2.
Variant type: single nucleotide variant.
Coding change: c.1045G>A on transcript NM_001083614.2 (MANE Select); coding-DNA position 1045, G replaced by A.
Protein change: p.Glu349Lys; replaces glutamic acid 349 with lysine.
Molecular consequence: missense variant. On other transcripts: non-coding transcript variant (1).
Genome position (GRCh38, 1-based): chr16:23,532,679, C>T on the plus strand (G>A on the coding strand, the complement: EARS2 is on the minus strand). VCF-style: chr16-23532679-C-T. GRCh37 (hg19) VCF-style: chr16-23544000-C-T.
Other names: c.1045G>A, p.Glu349Lys (NM_001308211.1); short protein forms E349K.
Identifiers: ClinVar variation 425101 (VCV000425101.67), dbSNP rs187662524, ClinGen allele CA7962430.
Genomic context (GRCh38, chr16:23,532,679, plus strand): 5'-CCCTTTGCCACCAGGGGATCTCCATGCTCCCCACTCACCTGTTGAATTCTGGGAGCTTCT[C>T]CAGGTCCAGCAGGGCTGAGTGACAGGTGACCTGTGTCAGGTTGAACTGTGTGATCAGCTC-3'
Protein context (NP_001077083.1, residues 339-359): VTCHSALLDL[Glu349Lys]KLPEFNRLHL